The following is an entry in ClinVar:

NM_181523.3(PIK3R1):c.502+4A>C

Gene: PIK3R1 (phosphoinositide-3-kinase regulatory subunit 1; plus strand). Cytogenetic location: 5q13.1.
Variant type: single nucleotide variant.
Coding change: c.502+4A>C on transcript NM_181523.3 (MANE Select); 4 bases into the intron after coding-DNA position 502, A replaced by C.
Molecular consequence: intron variant.
Genome position (GRCh38, 1-based): chr5:68,274,017, A>C. VCF-style: chr5-68274017-A-C. GRCh37 (hg19) VCF-style: chr5-67569845-A-C.
Identifiers: ClinVar variation 3347875 (VCV003347875.2).

ClinVar aggregate classification (germline): Uncertain significance. Review status: criteria provided, single submitter (1 of 4 stars). 2 submissions from 2 submitters: Uncertain significance (1). 1 of the submissions does not count toward it. Last evaluated 2019-10-14.

Conditions:
PIK3R1-related disorder. Also called: PIK3R1-related condition.

Submissions (2):

Blueprint Genetics
Classification: Uncertain significance. Last evaluated: 2019-10-14. Review status: criteria provided, single submitter. Criteria: ACMG Guidelines, 2015. Collection method: clinical testing. Allele origin: germline.

PreventionGenetics, part of Exact Sciences
Classification: Uncertain significance for PIK3R1-related condition. Last evaluated: 2024-08-30. Review status: no assertion criteria provided. Collection method: clinical testing. Allele origin: germline. Not counted in ClinVar's aggregate classification.
Comment: The PIK3R1 c.502+4A>C variant is predicted to interfere with splicing. To our knowledge, this variant has not been reported in the literature or in a large population database, indicating this variant is rare. At this time, the clinical significance of this variant is uncertain due to the absence of conclusive functional and genetic evidence.